The following is an entry in ClinVar:

ClinVar aggregate classification (germline): Uncertain significance. Review status: criteria provided, multiple submitters, no conflicts (2 of 4 stars). 6 submissions from 6 submitters: Uncertain significance (6). Last evaluated 2025-10-17.

Conditions:
Cardiovascular phenotype. Identifiers: MedGen CN230736.
Arrhythmogenic right ventricular cardiomyopathy (ARVD). Also called: Arrhythmogenic cardiomyopathy; Arrhythmogenic Right Ventricular Cardiomyopathy (ARVC); Cardiomyopathy, ARVC; Arrhythmogenic right ventricular dysplasia. Identifiers: Orphanet 247, MedGen C0349788, MeSH D019571, MONDO:0016587. Disease mechanism: loss of function. Inheritance: Various modes of inheritance.
Cardiomyopathy (CMYO). Also called: Cardiomyopathies. Identifiers: Orphanet 167848, MedGen C0878544, MONDO:0004994, HP:0001638. Inheritance: Various modes of inheritance.
Arrhythmogenic right ventricular dysplasia 10. Also called: ARRHYTHMOGENIC RIGHT VENTRICULAR DYSPLASIA, FAMILIAL, 10; Arrhythmogenic Right Ventricular Dysplasia/Cardiomyopathy10; Arrhythmogenic right ventricular dysplasia/cardiomyopathy, type 10. Identifiers: MedGen C1857777, MONDO:0012434, OMIM 610193.

Allele frequency attached by ClinVar (database versions not stated): gnomAD 0.00001; gnomAD exomes 0.00001 and 0.00002; TOPMed 0.00002.

Submissions (6):

Labcorp Genetics (formerly Invitae), Labcorp
Classification: Uncertain significance for Arrhythmogenic right ventricular dysplasia 10. Last evaluated: 2025-10-17. Review status: criteria provided, single submitter. Criteria: Invitae Variant Classification Sherloc (09022015). Collection method: clinical testing. Allele origin: germline.
Comment: This sequence change replaces methionine, which is neutral and non-polar, with threonine, which is neutral and polar, at codon 1015 of the DSG2 protein (p.Met1015Thr). This variant is present in population databases (no rsID available, gnomAD 0.002%). This missense change has been observed in individual(s) with dilated cardiomyopathy (PMID: 32880476). ClinVar contains an entry for this variant (Variation ID: 326489). Invitae Evidence Modeling of protein sequence and biophysical properties (such as structural, functional, and spatial information, amino acid conservation, physicochemical variation, residue mobility, and thermodynamic stability) has been performed for this missense variant. However, the output from this modeling did not meet the statistical confidence thresholds required to predict the impact of this variant on DSG2 protein function. In summary, the available evidence is currently insufficient to determine the role of this variant in disease. Therefore, it has been classified as a Variant of Uncertain Significance.

Ambry Genetics
Classification: Uncertain significance for Cardiovascular phenotype. Last evaluated: 2025-06-10. Review status: criteria provided, single submitter. Criteria: Ambry Variant Classification Scheme 2023. Collection method: clinical testing. Allele origin: germline.
Comment: The p.M1015T variant (also known as c.3044T>C), located in coding exon 15 of the DSG2 gene, results from a T to C substitution at nucleotide position 3044. The methionine at codon 1015 is replaced by threonine, an amino acid with similar properties. This variant has been reported in a dilated cardiomyopathy (DCM) cohort (Verdonschot JAJ et al. Circ Genom Precis Med, 2020 Oct;13:476-487). This amino acid position is well conserved in available vertebrate species. In addition, the in silico prediction for this alteration is inconclusive. Based on the available evidence, the clinical significance of this variant remains unclear.

All of Us Research Program, National Institutes of Health
Classification: Uncertain significance for Arrhythmogenic right ventricular cardiomyopathy. Last evaluated: 2024-08-31. Review status: criteria provided, single submitter. Criteria: ACMG Guidelines, 2015. Collection method: clinical testing. Allele origin: germline. Inheritance: Autosomal dominant inheritance. Observed: 6 variant alleles, 6 heterozygotes.
Comment: This missense variant replaces methionine with threonine at codon 1015 of the DSG2 protein. Computational prediction suggests that this variant may not impact protein structure and function (internally defined REVEL score threshold <= 0.5, PMID: 27666373). To our knowledge, functional studies have not been reported for this variant. This variant has not been reported in individuals affected with cardiovascular disorders in the literature. This variant has been identified in 2/249416 chromosomes in the general population by the Genome Aggregation Database (gnomAD). The available evidence is insufficient to determine the role of this variant in disease conclusively. Therefore, this variant is classified as a Variant of Uncertain Significance.

This study involves interpretation of variants in research participants for the purpose of population health screening. Participant phenotype was not available at the time of variant classification. Additional details can be found in publication PMID: 35346344, PMCID: PMC8962531

Color Diagnostics, LLC DBA Color Health
Classification: Uncertain significance for Cardiomyopathy. Last evaluated: 2023-08-10. Review status: criteria provided, single submitter. Criteria: ACMG Guidelines, 2015. Collection method: clinical testing. Allele origin: germline.
Comment: This missense variant replaces methionine with threonine at codon 1015 of the DSG2 protein. Computational prediction suggests that this variant may not impact protein structure and function (internally defined REVEL score threshold <= 0.5, PMID: 27666373). To our knowledge, functional studies have not been reported for this variant. This variant has been reported in one individual affected with dilated cardiomyopathy (PMID: 32880476). This variant has been identified in 2/249416 chromosomes in the general population by the Genome Aggregation Database (gnomAD). The available evidence is insufficient to determine the role of this variant in disease conclusively. Therefore, this variant is classified as a Variant of Uncertain Significance.

Illumina Laboratory Services, Illumina
Classification: Uncertain significance for Arrhythmogenic right ventricular dysplasia 10. Last evaluated: 2018-01-12. Review status: criteria provided, single submitter. Criteria: ICSL Variant Classification Criteria 13 December 2019. Collection method: clinical testing. Allele origin: germline.

GeneDx
Classification: Uncertain significance. Last evaluated: 2017-10-19. Review status: criteria provided, single submitter. Criteria: GeneDx Variant Classification (06012015). Collection method: clinical testing. Allele origin: germline. Affected: yes.
Comment: A variant of uncertain significance has been identified in the DSG2 gene. The M1015T variant has not been published as pathogenic or been reported as benign to our knowledge. This variant is not observed at a significant frequency in large population cohorts (Lek et al., 2016). The M1015T variant is a non-conservative amino acid substitution, which is likely to impact secondary protein structure as these residues differ in polarity, charge, size and/or other properties. However, this substitution occurs at a position where amino acids with similar properties to methionine (M) are tolerated across species. Finally, in silico analysis is inconsistent in its predictions as to whether or not the variant is damaging to the protein structure/function.

Literature cited by the submitters: PubMed 32880476 (cited by 3 submitters).

NM_001943.5(DSG2):c.3044T>C (p.Met1015Thr)

Genes: DSG2 (desmoglein 2; plus strand), DSG2-AS1 (DSG2 antisense RNA 1; minus strand). Cytogenetic location: 18q12.1.
Variant type: single nucleotide variant.
Coding change: c.3044T>C on transcript NM_001943.5 (MANE Select); coding-DNA position 3044, T replaced by C.
Protein change: p.Met1015Thr; replaces methionine 1015 with threonine.
Molecular consequence: missense variant.
Genome position (GRCh38, 1-based): chr18:31,546,430, T>C. VCF-style: chr18-31546430-T-C. GRCh37 (hg19) VCF-style: chr18-29126393-T-C.
Other names: c.3044T>C (LRG_397t1); short protein forms M1015T.
Identifiers: ClinVar variation 326489 (VCV000326489.25), dbSNP rs886053716, ClinGen allele CA10651535.